The following is an entry in ClinVar:

NM_000186.4(CFH):c.1697-3A>C

Gene: CFH (complement factor H; plus strand). Cytogenetic location: 1q31.3.
Variant type: single nucleotide variant.
Coding change: c.1697-3A>C on transcript NM_000186.4 (MANE Select); 3 bases into the intron before coding-DNA position 1697, A replaced by C.
Molecular consequence: intron variant.
Genome position (GRCh38, 1-based): chr1:196,725,118, A>C. VCF-style: chr1-196725118-A-C. GRCh37 (hg19) VCF-style: chr1-196694248-A-C.
Identifiers: ClinVar variation 1413155 (VCV001413155.8), dbSNP rs778174105, ClinGen allele CA1305463.
Genomic context (GRCh38, chr1:196,725,118, plus strand): 5'-GTAAAATTAACTTTGGCAATGATTAATTATATATTCTCATGAAATTATTTTACCTTTTTC[A>C]AGAAAGAGAATGCGAACTTCCTAAAATAGATGTACACTTAGTTCCTGATCGCAAGAAAGA-3'

ClinVar aggregate classification (germline): Uncertain significance. Review status: criteria provided, multiple submitters, no conflicts (2 of 4 stars). 6 submissions from 3 submitters: Uncertain significance (6). Last evaluated 2025-10-02.

Conditions:
Basal laminar drusen. Also called: DRUSEN OF BRUCH MEMBRANE; DRUSEN, CUTICULAR; DRUSEN, EARLY ADULT-ONSET, GROUPED. Identifiers: Orphanet 75376, MedGen C0730295, MONDO:0007472, OMIM 126700.
Factor H deficiency (CFHD). Also called: CFH DEFICIENCY; COMPLEMENT FACTOR H DEFICIENCY. Identifiers: Orphanet 200421, MedGen C0398777, MONDO:0012350, OMIM 609814.
Age related macular degeneration 4. Identifiers: MedGen C1853147, MONDO:0012540, OMIM 610698.
Hemolytic uremic syndrome, atypical, susceptibility to, 1. Also called: AHUS, SUSCEPTIBILITY TO, 1. Identifiers: Orphanet 2134, Orphanet 90038, MedGen C2749604, MONDO:0009335, OMIM 235400. Disease mechanism: Other.

Allele frequency attached by ClinVar (database versions not stated): gnomAD 0.00001; gnomAD exomes 0.00003 and 0.00006; ExAC 0.00005; TOPMed 0.00005.
gnomAD v4.1: 20 of 1,610,782 alleles (0.0012%); highest among the groups gnomAD compares: Admixed American, 0.033%; no homozygotes.

Submissions (6):

Labcorp Genetics (formerly Invitae), Labcorp
Classification: Uncertain significance. Last evaluated: 2025-10-02. Review status: criteria provided, single submitter. Criteria: Invitae Variant Classification Sherloc (09022015). Collection method: clinical testing. Allele origin: germline.
Comment: This sequence change falls in intron 11 of the CFH gene. It does not directly change the encoded amino acid sequence of the CFH protein. It affects a nucleotide within the consensus splice site. This variant is present in population databases (rs778174105, gnomAD 0.04%). This variant has not been reported in the literature in individuals affected with CFH-related conditions. ClinVar contains an entry for this variant (Variation ID: 1413155). Variants that disrupt the consensus splice site are a relatively common cause of aberrant splicing (PMID: 17576681, 9536098). Algorithms developed to predict the effect of sequence changes on RNA splicing suggest that this variant is not likely to affect RNA splicing. In summary, the available evidence is currently insufficient to determine the role of this variant in disease. Therefore, it has been classified as a Variant of Uncertain Significance.

Genome-Nilou Lab
Classification: Uncertain significance for Hemolytic uremic syndrome, atypical, susceptibility to, 1. Last evaluated: 2023-04-11. Review status: criteria provided, single submitter. Criteria: ACMG Guidelines, 2015. Collection method: clinical testing. Allele origin: germline. Affected: no.

Genome-Nilou Lab
Classification: Uncertain significance for Age related macular degeneration 4. Last evaluated: 2023-04-11. Review status: criteria provided, single submitter. Criteria: ACMG Guidelines, 2015. Collection method: clinical testing. Allele origin: germline. Affected: no.

Genome-Nilou Lab
Classification: Uncertain significance for Basal laminar drusen. Last evaluated: 2023-04-11. Review status: criteria provided, single submitter. Criteria: ACMG Guidelines, 2015. Collection method: clinical testing. Allele origin: germline. Affected: no.

Genome-Nilou Lab
Classification: Uncertain significance for Factor H deficiency. Last evaluated: 2023-04-11. Review status: criteria provided, single submitter. Criteria: ACMG Guidelines, 2015. Collection method: clinical testing. Allele origin: germline. Affected: no.

Fulgent Genetics
Classification: Uncertain significance for Basal laminar drusen; Hemolytic uremic syndrome, atypical, susceptibility to, 1; Factor H deficiency; Age related macular degeneration 4. Last evaluated: 2022-02-08. Review status: criteria provided, single submitter. Criteria: ACMG Guidelines, 2015. Collection method: clinical testing. Allele origin: unknown.

Literature cited by the submitters: PubMed 17576681 (cited by Labcorp Genetics (formerly Invitae), Labcorp); PubMed 9536098 (cited by Labcorp Genetics (formerly Invitae), Labcorp).